The following is an entry in ClinVar:

ClinVar aggregate classification (germline): Uncertain significance (1 of 4 stars; one submission).

Conditions:
Hereditary cancer-predisposing syndrome. Also called: Neoplastic Syndromes, Hereditary; Tumor predisposition; Hereditary neoplastic syndrome; Hereditary Cancer Syndrome. Identifiers: Orphanet 140162, MedGen C0027672, MeSH D009386, MONDO:0015356.

Submission:

Ambry Genetics
Classification: Uncertain significance for Hereditary cancer-predisposing syndrome. Last evaluated: 2025-06-12. Review status: criteria provided, single submitter. Criteria: Ambry Variant Classification Scheme 2023. Collection method: clinical testing. Allele origin: germline.
Comment: The p.I902L variant (also known as c.2704A>C), located in coding exon 20 of the KIT gene, results from an A to C substitution at nucleotide position 2704. The isoleucine at codon 902 is replaced by leucine, an amino acid with highly similar properties. This amino acid position is conserved. In addition, this alteration is predicted to be tolerated by in silico analysis. Based on the available evidence, the clinical significance of this variant remains unclear.

NM_000222.3(KIT):c.2704A>C (p.Ile902Leu)

Gene: KIT (KIT proto-oncogene, receptor tyrosine kinase; plus strand). Cytogenetic location: 4q12.
Variant type: single nucleotide variant.
Coding change: c.2704A>C on transcript NM_000222.3 (MANE Select); coding-DNA position 2704, A replaced by C.
Protein change: p.Ile902Leu; replaces isoleucine 902 with leucine.
Molecular consequence: missense variant.
Genome position (GRCh38, 1-based): chr4:54,737,182, A>C. VCF-style: chr4-54737182-A-C. GRCh37 (hg19) VCF-style: chr4-55603348-A-C.
Other names: c.2692A>C, p.Ile898Leu (NM_001093772.2, NM_001385292.1); c.2707A>C, p.Ile903Leu (NM_001385284.1); c.2701A>C, p.Ile901Leu (NM_001385285.1); c.2689A>C, p.Ile897Leu (NM_001385286.1); c.2695A>C, p.Ile899Leu (NM_001385288.1); c.2704A>C, p.Ile902Leu (NM_001385290.1); short protein forms I897L, I899L, I902L, I898L, I903L, I901L.
Identifiers: ClinVar variation 4043776 (VCV004043776.1).